The following is an entry in ClinVar:

ClinVar aggregate classification (germline): Pathogenic. Review status: criteria provided, multiple submitters, no conflicts (2 of 4 stars). 3 submissions from 3 submitters: Pathogenic (3). Last evaluated 2025-09-10.

Conditions:
Knobloch syndrome 1 (KNO1). Identifiers: MedGen C4551775, MONDO:0800167, OMIM 267750.
Knobloch syndrome (KNO). Also called: Myopia retinal detachment encephalocele; RETINAL DETACHMENT AND OCCIPITAL ENCEPHALOCELE. Identifiers: Orphanet 1571, MedGen C1849409, MONDO:0800166.
Cowden syndrome 1 (CWS1). Also called: PTEN-Related Cowden Syndrome. Identifiers: MedGen CN072330, MONDO:0008021, OMIM 158350. Disease mechanism: gain of function.

Submissions (3):

Genomic Medicine Center of Excellence, King Faisal Specialist Hospital and Research Centre
Classification: Pathogenic for Cowden syndrome 1. Last evaluated: 2025-09-10. Review status: criteria provided, single submitter. Criteria: ACMG Guidelines, 2015. Collection method: clinical testing. Allele origin: germline.

First Genomix Gene Laboratory, Genetic Diagnostics Department
Classification: Pathogenic for Knobloch syndrome 1. Last evaluated: 2025-08-26. Review status: criteria provided, single submitter. Criteria: ACMG Guidelines, 2015. Collection method: clinical testing. Allele origin: germline. Inheritance: Autosomal recessive inheritance. Affected: no. Observed: 1 variant allele.

Institute of Human Genetics, University of Leipzig Medical Center
Classification: Pathogenic for Knobloch syndrome 1. Last evaluated: 2019-01-23. Review status: criteria provided, single submitter. Criteria: ACMG Guidelines, 2015. Collection method: clinical testing. Allele origin: germline. Affected: yes. Observed: 1 variant allele.
Comment: This variant was identified as homozygous

NM_001379500.1(COL18A1):c.3532_3533del (p.Gly1178fs)

Genes: SLC19A1 (solute carrier family 19 member 1; minus strand), COL18A1 (collagen type XVIII alpha 1 chain; plus strand). Cytogenetic location: 21q22.3.
Variant type: Deletion.
Coding change: c.3532_3533del on transcript NM_001379500.1 (MANE Select); coding-DNA positions 3532 to 3533, 2 bases deleted (GG; older notation c.3532_3533delGG).
Protein change: p.Gly1178fs; shifts the reading frame from glycine 1178.
Molecular consequence: frameshift variant.
Genome position (GRCh38, 1-based): chr21:45,510,100-45,510,101, GG deleted. VCF-style (leftmost placement, unchanged base first): chr21-45510099-CGG-C. GRCh37 (hg19) VCF-style: chr21-46930013-CGG-C.
Other names: c.4063_4064del, p.Gly1355fs (NM_030582.4); c.4768_4769del, p.Gly1590fs (NM_130444.3); short protein forms G1178fs, G1355fs, G1590fs.
Identifiers: ClinVar variation 976335 (VCV000976335.3), dbSNP rs2037488871, ClinGen allele CA1139666921.